The following is an entry in ClinVar:

ClinVar aggregate classification (germline): Uncertain significance. Review status: criteria provided, multiple submitters, no conflicts (2 of 4 stars). 4 submissions from 4 submitters: Uncertain significance (4). Last evaluated 2024-10-11.

Conditions:
Congenital stationary night blindness 1E. Also called: Night blindness, congenital stationary (complete), 1E, autosomal recessive. Identifiers: Orphanet 215, MedGen C3281215, MONDO:0013807, OMIM 614565.
Inborn genetic diseases. Identifiers: MedGen C0950123, MeSH D030342.

Allele frequency attached by ClinVar (database versions not stated): gnomAD 0.00005 and 0.00006; gnomAD exomes 0.00005 and 0.00010; ExAC 0.00008; TOPMed 0.00012.
gnomAD v4.1: 160 of 1,611,322 alleles (0.0099%); highest among the groups gnomAD compares: South Asian, 0.018%; no homozygotes.

Submissions (4):

Ambry Genetics
Classification: Uncertain significance for Inborn genetic diseases. Last evaluated: 2024-10-11. Review status: criteria provided, single submitter. Criteria: Ambry Variant Classification Scheme 2023. Collection method: clinical testing. Allele origin: germline.

Blueprint Genetics
Classification: Uncertain significance. Last evaluated: 2024-05-23. Review status: criteria provided, single submitter. Criteria: ACMG Guidelines, 2015. Collection method: clinical testing. Allele origin: germline.

Labcorp Genetics (formerly Invitae), Labcorp
Classification: Uncertain significance. Last evaluated: 2023-05-15. Review status: criteria provided, single submitter. Criteria: Invitae Variant Classification Sherloc (09022015). Collection method: clinical testing. Allele origin: germline.
Comment: ClinVar contains an entry for this variant (Variation ID: 322984). In summary, the available evidence is currently insufficient to determine the role of this variant in disease. Therefore, it has been classified as a Variant of Uncertain Significance. An algorithm developed to predict the effect of missense changes on protein structure and function (PolyPhen-2) suggests that this variant¬† is likely to be tolerated. This variant has not been reported in the literature in individuals affected with GPR179-related conditions. This variant is present in population databases (rs778263955, gnomAD 0.04%). This sequence change replaces proline, which is neutral and non-polar, with leucine, which is neutral and non-polar, at codon 1580 of the GPR179 protein (p.Pro1580Leu).

Illumina Laboratory Services, Illumina
Classification: Uncertain significance for Congenital stationary night blindness 1E. Last evaluated: 2018-01-12. Review status: criteria provided, single submitter. Criteria: ICSL Variant Classification Criteria 13 December 2019. Collection method: clinical testing. Allele origin: germline.

NM_001004334.4(GPR179):c.4739C>T (p.Pro1580Leu)

Gene: GPR179 (G protein-coupled receptor 179; minus strand). Cytogenetic location: 17q12.
Variant type: single nucleotide variant.
Coding change: c.4739C>T on transcript NM_001004334.4 (MANE Select); coding-DNA position 4739, C replaced by T.
Protein change: p.Pro1580Leu; replaces proline 1580 with leucine.
Molecular consequence: missense variant.
Genome position (GRCh38, 1-based): chr17:38,328,830, G>A on the plus strand (C>T on the coding strand, the complement: GPR179 is on the minus strand). VCF-style: chr17-38328830-G-A. GRCh37 (hg19) VCF-style: chr17-36484713-G-A.
Other names: short protein forms P1580L.
Identifiers: ClinVar variation 322984 (VCV000322984.10), dbSNP rs778263955, ClinGen allele CA10639546.